The following is an entry in ClinVar:

NM_005902.4(SMAD3):c.269G>A (p.Arg90His)

Gene: SMAD3 (SMAD family member 3; plus strand). Cytogenetic location: 15q22.33.
Variant type: single nucleotide variant.
Coding change: c.269G>A on transcript NM_005902.4 (MANE Select); coding-DNA position 269, G replaced by A.
Protein change: p.Arg90His; replaces arginine 90 with histidine.
Molecular consequence: missense variant. On other transcripts: 5 prime UTR variant (1).
Genome position (GRCh38, 1-based): chr15:67,164,957, G>A. VCF-style: chr15-67164957-G-A. GRCh37 (hg19) VCF-style: chr15-67457295-G-A.
Other names: c.-47G>A (NM_001145102.2); c.137G>A, p.Arg46His (NM_001145103.2); short protein forms R90H, R46H.
Identifiers: ClinVar variation 263428 (VCV000263428.30), dbSNP rs886038803, ClinGen allele CA10587871.

ClinVar aggregate classification (germline): Conflicting classifications of pathogenicity. Review status: criteria provided, conflicting classifications (1 of 4 stars). 9 submissions from 9 submitters: Pathogenic (1); Likely pathogenic (4); Uncertain significance (4). Last evaluated 2026-06-09.

Conditions:
Ehlers-Danlos syndrome (EDS). Identifiers: Orphanet 98249, MedGen C0013720, MONDO:0020066.
Familial thoracic aortic aneurysm and aortic dissection (TAAD). Also called: Thoracic aortic aneurysms and dissections. Identifiers: Orphanet 91387, MedGen C4707243, MONDO:0019625.
Aneurysm-osteoarthritis syndrome. Also called: SMAD3-Related Loeys-Dietz Syndrome; LOEYS-DIETZ SYNDROME WITH OSTEOARTHRITIS; Loeys-Dietz syndrome, type 1C; ANEURYSMS-OSTEOARTHRITIS SYNDROME. Identifiers: Orphanet 284984, MedGen C3151087, MONDO:0013426, OMIM 613795.

gnomAD v4.1: 1 of 1,613,890 alleles (0.000062%); highest among the groups gnomAD compares: Non-Finnish European, 0.000085%; no homozygotes.

Submissions (9):

Genome Diagnostics Laboratory, The Hospital for Sick Children
Classification: Likely pathogenic for Ehlers-Danlos syndrome. Last evaluated: 2026-06-09. Review status: criteria provided, single submitter. Criteria: ACMG Guidelines, 2015. Collection method: clinical testing. Allele origin: germline. Affected: yes.
Comment: This missense variant results in a change of arginine to histidine at position 90 and in silico programs predict this variant to be damaging. This variant has been reported in several apparently unrelated individuals with features of Loeys-Dietz syndrome (LDS)(PMID: 29392890; PMID: 29510914; PMID: 29510914); and was reported to segregate with disease in one family (PMID: 36495030). This variant is observed at a low allele frequency of 0.000062% in populations of the Genome Aggregation Database (gnomAD). Based on the evidence, this variant is classified as a likely pathogenic variant (ACMG Criteria: PS4, PM2, PP1, PP3).

Labcorp Genetics (formerly Invitae), Labcorp
Classification: Pathogenic for Familial thoracic aortic aneurysm and aortic dissection. Last evaluated: 2026-01-18. Review status: criteria provided, single submitter. Criteria: Invitae Variant Classification Sherloc (09022015). Collection method: clinical testing. Allele origin: germline.
Comment: This sequence change replaces arginine, which is basic and polar, with histidine, which is basic and polar, at codon 90 of the SMAD3 protein (p.Arg90His). This variant is not present in population databases (gnomAD no frequency). This missense change has been observed in individual(s) with clinical features of SMAD3-related diseases and/or thoracic aortic aneurysms and dissections (PMID: 29392890, 29510914, 36495030). It has also been observed to segregate with disease in related individuals. ClinVar contains an entry for this variant (Variation ID: 263428). Invitae Evidence Modeling incorporating data from in vitro experimental studies (internal data) indicates that this missense variant is expected to disrupt SMAD3 function with a positive predictive value of 95%. This variant disrupts the p.Arg90 amino acid residue in SMAD3. Other variant(s) that disrupt this residue have been determined to be pathogenic (PMID: 25944730, 30661052, 32154675; internal data). This suggests that this residue is clinically significant, and that variants that disrupt this residue are likely to be disease-causing. For these reasons, this variant has been classified as Pathogenic.

Ambry Genetics
Classification: Likely pathogenic for Familial thoracic aortic aneurysm and aortic dissection. Last evaluated: 2025-03-12. Review status: criteria provided, single submitter. Criteria: Ambry Variant Classification Scheme 2023. Collection method: clinical testing. Allele origin: germline.
Comment: The p.R90H variant (also known as c.269G>A), located in coding exon 2 of the SMAD3 gene, results from a G to A substitution at nucleotide position 269. The arginine at codon 90 is replaced by histidine, an amino acid with highly similar properties. This alteration has been reported in association with Loeys Dietz syndrome and in subjects with aortic aneurysm/dissection (Schepers D et al. Hum. Mutat., 2018 05;39:621-634; Hicks KL et al. J Vasc Surg, 2018 Sep;68:701-711; Ambry internal data). This missense alteration is located in a region that has a low rate of benign missense variation (Lek M et al. Nature. 2016 Aug 18;536(7616):285-91; DECIPHER: Database of Chromosomal Imbalance and Phenotype in Humans using Ensembl Resources. Firth H.V. et al. 2009. Am.J.Hum.Genet. 84, 524-533 (DOI)). This amino acid position is highly conserved in available vertebrate species. In addition, this alteration is predicted to be deleterious by in silico analysis. This variant is considered to be rare based on population cohorts in the Genome Aggregation Database (gnomAD). Based on the majority of available evidence to date, this variant is likely to be pathogenic.

Women's Health and Genetics/Laboratory Corporation of America, LabCorp
Classification: Uncertain significance. Last evaluated: 2024-05-16. Review status: criteria provided, single submitter. Criteria: LabCorp Variant Classification Summary - May 2015. Collection method: clinical testing. Allele origin: germline.
Comment: Variant summary: SMAD3 c.269G>A (p.Arg90His) results in a non-conservative amino acid change located in the MAD homology 1, Dwarfin-type domain (IPR003619) of the encoded protein sequence. Five of five in-silico tools predict a damaging effect of the variant on protein function. The variant was absent in 251404 control chromosomes (gnomAD). c.269G>A has been reported in the literature in individuals affected with cardiac disease (Schepers_2018, Hicks_2018, Ratajska_2023). These data indicate that the variant may be associated with disease. To our knowledge, no experimental evidence demonstrating an impact on protein function has been reported. The following publications have been ascertained in the context of this evaluation (PMID: 29510914, 29392890, 36495030). ClinVar contains an entry for this variant (Variation ID: 263428). Based on the evidence outlined above, the variant was classified as VUS-possibly pathogenic.

GeneDx
Classification: Uncertain significance. Last evaluated: 2023-10-18. Review status: criteria provided, single submitter. Criteria: GeneDx Variant Classification Process June 2021. Collection method: clinical testing. Allele origin: germline. Affected: yes.
Comment: Reported in association with SMAD3-related disorders in published literature (Hicks et al., 2018; Schepers et al., 2018; Ratajska et al., 2023); Not observed at significant frequency in large population cohorts (gnomAD); In silico analysis supports that this missense variant has a deleterious effect on protein structure/function; This variant is associated with the following publications: (PMID: 29510914, 36495030, 29392890)

All of Us Research Program, National Institutes of Health
Classification: Uncertain significance for Aneurysm-osteoarthritis syndrome. Last evaluated: 2023-05-16. Review status: criteria provided, single submitter. Criteria: ACMG Guidelines, 2015. Collection method: clinical testing. Allele origin: germline. Inheritance: Autosomal dominant inheritance. Observed: 1 variant allele, 1 heterozygote.
Comment: This missense variant replaces arginine with histidine at codon 90 of the SMAD3 protein. Computational prediction suggests that this variant may have deleterious impact on protein structure and function (internally defined REVEL score threshold >= 0.7, PMID: 27666373). To our knowledge, functional studies have not been reported for this variant. This variant has been reported in an individual suspected of having Loeys-Dietz syndrome (PMID: 29392890), and in another two individuals with clinical features of SMAD3-related diseases (PMID: 29510914, ClinVar RCV000246998.2). This variant has not been identified in the general population by the Genome Aggregation Database (gnomAD). Different variants occurring at the same codon, p.Arg90Cys and p.Arg90dup, have also been reported in individuals affected with thoracic aortic aneurysm and dissection or related conditions (PMID: 25944730, 30661052, 32154675, ClinVar RCV000534111.8), indicating that arginine at this position is important for SMAD3 protein function. The available evidence is insufficient to determine the role of this variant in disease conclusively. Therefore, this variant is classified as a Variant of Uncertain Significance.

This study involves interpretation of variants in research participants for the purpose of population health screening. Participant phenotype was not available at the time of variant classification. Additional details can be found in publication PMID: 35346344, PMCID: PMC8962531

CHEO Genetics Diagnostic Laboratory, Children's Hospital of Eastern Ontario
Classification: Likely pathogenic for Familial thoracic aortic aneurysm and aortic dissection. Last evaluated: 2022-10-19. Review status: criteria provided, single submitter. Criteria: ACMG Guidelines, 2015. Collection method: clinical testing. Allele origin: germline.

Victorian Clinical Genetics Services, Murdoch Childrens Research Institute
Classification: Likely pathogenic for Aneurysm-osteoarthritis syndrome. Last evaluated: 2022-09-02. Review status: criteria provided, single submitter. Criteria: ACMG Guidelines, 2015. Collection method: clinical testing. Allele origin: germline. Inheritance: Autosomal dominant inheritance. Affected: yes.
Comment: Based on the classification scheme VCGS_Germline_v1.3.4, this variant is classified as Likely Pathogenic. Following criteria are met: 0102 - Loss of function is a known mechanism of disease in this gene and is associated with Loeys-Dietz syndrome 3 (MIM#613795). Dominant negative is also a suggested mechanism of disease of missense variants (PMID: 30661052). (I) 0107 - This gene is associated with autosomal dominant disease. (I) 0115 - Variants in this gene are known to have variable expressivity. Intrafamilial variability has been reported for this gene (PMID: 32154675). (I) 0200 - Variant is predicted to result in a missense amino acid change from arginine to histidine. (I) 0251 - This variant is heterozygous. (I) 0301 - Variant is absent from gnomAD (v2 & v3). (SP) 0309 - An alternative amino acid change at the same position has been observed in gnomAD (v2 & v3: 2 heterozygotes, 0 homozygotes). (I) 0501 - Missense variant consistently predicted to be damaging by multiple in silico tools or highly conserved with a major amino acid change. (SP) 0603 - Missense variant in a region that is highly intolerant to missense variation (high constraint region in DECIPHER). (SP) 0708 - Another missense variant comparable to the one identified in this case has conflicting previous evidence for pathogenicity. This alternative change (p.Arg90Cys) has been classified as a VUS and likely pathogenic, and has been observed in several individuals with aortic involvement or thoracic aortic aneurysm and dissection (ClinVar, Arno, G. et al. (2012), PMID: 25944730, PMID: 30661052). Additionally, an inframe duplication of this residue (p.Arg90dup) has also been described as pathogenic, and observed in a family with SMAD3-related disease (ClinVar, PMID: 32154675). (I) 0804 - This variant has previously been described as a variant of uncertain significance in multiple independent cases with consistent phenotype despite being absent in the general population (ClinVar). However, it has also been regarded likely pathogenic in ClinVar by one clinical laboratory. In addition, this variant has been reported in two unrelated families with Loeys-Dietz syndrome or aortic root dissection, and was classified as likely pathogenic or pathogenic (PMID: 29510914, PMID: 29392890). (SP) 0905 - No published segregation evidence has been identified for this variant. (I) 1007 - No published functional evidence has been identified for this variant. (I) 1102 - Strong phenotype match for this individual. (SP) 1208 - Inheritance information for this variant is not currently available in this individual. (I) Legend: (SP) - Supporting pathogenic, (I) - Information, (SB) - Supporting benign

Center for Genomics, Ann and Robert H. Lurie Children's Hospital of Chicago
Classification: Uncertain significance for Aneurysm-osteoarthritis syndrome. Last evaluated: 2021-03-30. Review status: criteria provided, single submitter. Criteria: ACMG Guidelines, 2015. Collection method: clinical testing. Allele origin: germline.
Comment: SMAD3 NM_005902.3 exon 4 p.Arg90His (c.269G>A): This variant has been reported in the literature in one individual with suspected Loeys-Dietz syndrome (Schepers 2018 PMID:29392890). This variant is not present in large control databases but is present in ClinVar (Variation ID:263428). Evolutionary conservation and computational predictive tools suggest that this variant may impact the protein. In summary, data on this variant is insufficient for disease classification. Therefore, the clinical significance of this variant is uncertain.

Literature cited by the submitters: PubMed 29392890 (cited by 6 submitters); PubMed 29510914 (cited by 6 submitters); PubMed 36495030 (cited by 3 submitters); PubMed 25944730 (cited by 3 submitters); PubMed 30661052 (cited by 4 submitters); PubMed 32154675 (cited by 3 submitters).